The following is an entry in ClinVar:

ClinVar aggregate classification (germline): Pathogenic. Review status: criteria provided, multiple submitters, no conflicts (2 of 4 stars). 3 submissions from 3 submitters: Pathogenic (3). Last evaluated 2026-03-19.

Conditions:
Hereditary cancer-predisposing syndrome. Also called: Tumor predisposition; Neoplastic Syndromes, Hereditary; Hereditary neoplastic syndrome; Hereditary Cancer Syndrome. Identifiers: Orphanet 140162, MedGen C0027672, MeSH D009386, MONDO:0015356.
Familial cancer of breast. Also called: Hereditary breast cancer; BREAST CANCER, FAMILIAL; hereditary breast carcinoma. Identifiers: Orphanet 227535, MedGen C0346153, MONDO:0016419, OMIM 114480. Disease mechanism: loss of function.

Submissions (3):

Ambry Genetics
Classification: Pathogenic for Hereditary cancer-predisposing syndrome. Last evaluated: 2026-03-19. Review status: criteria provided, single submitter. Criteria: Ambry Variant Classification Scheme 2023. Collection method: clinical testing. Allele origin: germline.
Comment: The p.G1016* pathogenic mutation (also known as c.3046G>T), located in coding exon 19 of the ATM gene, results from a G to T substitution at nucleotide position 3046. This changes the amino acid from a glycine to a stop codon within coding exon 19. This variant is considered to be rare based on population cohorts in the Genome Aggregation Database (gnomAD). This variant is expected to result in loss of function by premature protein truncation or nonsense-mediated mRNA decay. As such, this variant is interpreted as a disease-causing mutation.

Color Diagnostics, LLC DBA Color Health
Classification: Pathogenic for Hereditary cancer-predisposing syndrome. Last evaluated: 2021-06-21. Review status: criteria provided, single submitter. Criteria: ACMG Guidelines, 2015. Collection method: clinical testing. Allele origin: germline.
Comment: This variant changes 1 nucleotide in exon 20 of the ATM gene, creating a premature translation stop signal. This variant is expected to result in an absent or non-functional protein product. To our knowledge, this variant has not been reported in individuals affected with hereditary cancer in the literature. This variant has not been identified in the general population by the Genome Aggregation Database (gnomAD). Loss of ATM function is a known mechanism of disease. Based on the available evidence, this variant is classified as Pathogenic.

Liquid Biopsy and Cancer Interception Group, Pfizer-University of Granada-Junta de Andalucía Centre for Genomics and Oncological Research
Classification: Pathogenic for Familial cancer of breast. Review status: criteria provided, single submitter. Criteria: ACMG Guidelines, 2015. Collection method: clinical testing. Allele origin: germline. Affected: yes. Observed: 1 variant allele.

NM_000051.4(ATM):c.3046G>T (p.Gly1016Ter)

Gene: ATM (ATM serine/threonine kinase; plus strand). Cytogenetic location: 11q22.3.
Variant type: single nucleotide variant.
Coding change: c.3046G>T on transcript NM_000051.4 (MANE Select); coding-DNA position 3046, G replaced by T.
Protein change: p.Gly1016Ter; replaces glycine 1016 with a stop codon.
Molecular consequence: nonsense.
Genome position (GRCh38, 1-based): chr11:108,271,375, G>T. VCF-style: chr11-108271375-G-T. GRCh37 (hg19) VCF-style: chr11-108142102-G-T.
Other names: c.3046G>T, p.Gly1016Ter (NM_001351834.2); short protein forms G1016*.
Identifiers: ClinVar variation 870636 (VCV000870636.7), dbSNP rs2081575204, ClinGen allele CA382547590.